The following is an entry in ClinVar:

ClinVar aggregate classification (germline): Uncertain significance (1 of 4 stars; one submission).

Conditions:
Immunodeficiency 51 (IMD51). Also called: CANDIDIASIS, FAMILIAL, 5. Identifiers: Orphanet 1334, MedGen C4310803, MONDO:0013500, OMIM 613953.

gnomAD v4.1: 17 of 1,614,244 alleles (0.0011%); highest among the groups gnomAD compares: Non-Finnish European, 0.0014%; no homozygotes.

Submission:

Labcorp Genetics (formerly Invitae), Labcorp
Classification: Uncertain significance for Immunodeficiency 51. Last evaluated: 2025-12-23. Review status: criteria provided, single submitter. Criteria: Invitae Variant Classification Sherloc (09022015). Collection method: clinical testing. Allele origin: germline.
Comment: This sequence change replaces glutamine, which is neutral and polar, with glutamic acid, which is acidic and polar, at codon 118 of the IL17RA protein (p.Gln118Glu). This variant is present in population databases (no rsID available, gnomAD 0.0009%). This variant has not been reported in the literature in individuals affected with IL17RA-related conditions. Invitae Evidence Modeling of protein sequence and biophysical properties (such as structural, functional, and spatial information, amino acid conservation, physicochemical variation, residue mobility, and thermodynamic stability) has been performed for this missense variant. However, the output from this modeling did not meet the statistical confidence thresholds required to predict the impact of this variant on IL17RA protein function. In summary, the available evidence is currently insufficient to determine the role of this variant in disease. Therefore, it has been classified as a Variant of Uncertain Significance.

NM_014339.7(IL17RA):c.352C>G (p.Gln118Glu)

Gene: IL17RA (interleukin 17 receptor A; plus strand). Cytogenetic location: 22q11.1.
Variant type: single nucleotide variant.
Coding change: c.352C>G on transcript NM_014339.7 (MANE Select); coding-DNA position 352, C replaced by G.
Protein change: p.Gln118Glu; replaces glutamine 118 with glutamic acid.
Molecular consequence: missense variant.
Genome position (GRCh38, 1-based): chr22:17,098,816, C>G. VCF-style: chr22-17098816-C-G. GRCh37 (hg19) VCF-style: chr22-17579706-C-G.
Other names: c.352C>G, p.Gln118Glu (NM_001289905.2); short protein forms Q118E.
Identifiers: ClinVar variation 4705460 (VCV004705460.1).